The following is an entry in ClinVar:

ClinVar aggregate classification (germline): Benign. Review status: criteria provided, multiple submitters, no conflicts (2 of 4 stars). 6 submissions from 6 submitters: Benign (6). Last evaluated 2026-02-03.

Conditions:
Coxopodopatellar syndrome. Also called: ISCHIOCOXOPODOPATELLAR SYNDROME WITH OR WITHOUT PULMONARY ARTERIAL HYPERTENSION; Congenital coxa vara, patella aplasia and tarsal synostosis; ISCHIOPATELLAR DYSPLASIA; SCOTT-TAOR SYNDROME; ISCHIOCOXOPODOPATELLAR SYNDROME; PATELLA APLASIA, COXA VARA, AND TARSAL SYNOSTOSIS. Identifiers: Orphanet 1509, MedGen C1840061, MONDO:0007841, OMIM 147891.

Allele frequency attached by ClinVar (database versions not stated): ESP Exome Variant Server 0.14647; TOPMed 0.15732; gnomAD 0.17793; ExAC 0.18756; gnomAD exomes 0.19157; 1000 Genomes Project 30x 0.19769; 1000 Genomes Project 0.20268.
gnomAD v4.1: 278,997 of 1,612,722 alleles (17%); highest among the groups gnomAD compares: East Asian, 37%; 26,116 homozygotes.

Submissions (6):

Labcorp Genetics (formerly Invitae), Labcorp
Classification: Benign. Last evaluated: 2026-02-03. Review status: criteria provided, single submitter. Criteria: Invitae Variant Classification Sherloc (09022015). Collection method: clinical testing. Allele origin: germline.

Blueprint Genetics
Classification: Benign. Last evaluated: 2024-11-27. Review status: criteria provided, single submitter. Criteria: ACMG Guidelines, 2015. Collection method: clinical testing. Allele origin: germline.

GeneDx
Classification: Benign. Last evaluated: 2021-05-05. Review status: criteria provided, single submitter. Criteria: GeneDx Variant Classification Process June 2021. Collection method: clinical testing. Allele origin: germline. Affected: yes.

Illumina Laboratory Services, Illumina
Classification: Benign for Coxopodopatellar syndrome. Last evaluated: 2018-01-13. Review status: criteria provided, single submitter. Criteria: ICSL Variant Classification Criteria 13 December 2019. Collection method: clinical testing. Allele origin: germline.
Comment: This variant was observed in the ICSL laboratory as part of a predisposition screen in an ostensibly healthy population. It had not been previously curated by ICSL or reported in the Human Gene Mutation Database (HGMD: prior to June 1st, 2018), and was therefore a candidate for classification through an automated scoring system. Utilizing variant allele frequency, disease prevalence and penetrance estimates, and inheritance mode, an automated score was calculated to assess if this variant is too frequent to cause the disease. Based on the score and internal cut-off values, a variant classified as benign is not then subjected to further curation. The score for this variant resulted in a classification of benign for this disease.

Laboratory for Molecular Medicine, Mass General Brigham Personalized Medicine
Classification: Benign. Last evaluated: 2016-03-29. Review status: criteria provided, single submitter. Criteria: LMM Criteria. Collection method: clinical testing. Allele origin: germline.
Comment: Variant identified in a genome or exome case(s) and assessed due to predicted null impact of the variant or pathogenic assertions in the literature or databases. Disclaimer: This variant has not undergone full assessment. The following are preliminary notes: Frequency

Breakthrough Genomics
Classification: Benign. Review status: criteria provided, single submitter. Criteria: ACMG Guidelines, 2015. Collection method: not provided. Allele origin: germline. Inheritance: Autosomal recessive inheritance. Affected: yes.

NM_001321120.2(TBX4):c.276T>G (p.Ala92=)

Gene: TBX4 (T-box transcription factor 4; plus strand). Cytogenetic location: 17q23.2.
Variant type: single nucleotide variant.
Coding change: c.276T>G on transcript NM_001321120.2 (MANE Select); coding-DNA position 276, T replaced by G.
Protein change: p.Ala92=; no amino-acid change (alanine 92 retained).
Molecular consequence: synonymous variant.
Genome position (GRCh38, 1-based): chr17:61,457,626, T>G. VCF-style: chr17-61457626-T-G. GRCh37 (hg19) VCF-style: chr17-59534987-T-G.
Other names: c.276T>G, p.Ala92= (NM_018488.3).
Identifiers: ClinVar variation 324249 (VCV000324249.19), dbSNP rs3744447, ClinGen allele CA8689768.